The following is an entry in ClinVar:

NM_014806.5(RUSC2):c.3331G>A (p.Gly1111Ser)

Gene: RUSC2 (RUN and SH3 domain containing 2; plus strand). Cytogenetic location: 9p13.3.
Variant type: single nucleotide variant.
Coding change: c.3331G>A on transcript NM_014806.5 (MANE Select); coding-DNA position 3331, G replaced by A.
Protein change: p.Gly1111Ser; replaces glycine 1111 with serine.
Molecular consequence: missense variant. On other transcripts: non-coding transcript variant (1).
Genome position (GRCh38, 1-based): chr9:35,558,557, G>A. VCF-style: chr9-35558557-G-A. GRCh37 (hg19) VCF-style: chr9-35558554-G-A.
Other names: c.3331G>A, p.Gly1111Ser (NM_001135999.2); c.697G>A, p.Gly233Ser (NM_001330740.2); c.3331G>A (NM_001135999.1); short protein forms G233S, G1111S.
Identifiers: ClinVar variation 1903510 (VCV001903510.6), dbSNP rs767427039, ClinGen allele CA5044113.

ClinVar aggregate classification (germline): Uncertain significance. Review status: criteria provided, multiple submitters, no conflicts (2 of 4 stars). 2 submissions from 2 submitters: Uncertain significance (2). Last evaluated 2025-07-14.

Allele frequency attached by ClinVar (database versions not stated): ExAC 0.00001; gnomAD 0.00001.
gnomAD v4.1: 22 of 1,613,448 alleles (0.0014%); highest among the groups gnomAD compares: Non-Finnish European, 0.0018%; no homozygotes.

Submissions (2):

Labcorp Genetics (formerly Invitae), Labcorp
Classification: Uncertain significance. Last evaluated: 2025-07-14. Review status: criteria provided, single submitter. Criteria: Invitae Variant Classification Sherloc (09022015). Collection method: clinical testing. Allele origin: germline.
Comment: This sequence change replaces glycine, which is neutral and non-polar, with serine, which is neutral and polar, at codon 1111 of the RUSC2 protein (p.Gly1111Ser). This variant is present in population databases (rs767427039, gnomAD 0.0009%). This variant has not been reported in the literature in individuals affected with RUSC2-related conditions. ClinVar contains an entry for this variant (Variation ID: 1903510). An algorithm developed to predict the effect of missense changes on protein structure and function (PolyPhen-2) suggests that this variant is likely to be disruptive. In summary, the available evidence is currently insufficient to determine the role of this variant in disease. Therefore, it has been classified as a Variant of Uncertain Significance.

Ambry Genetics
Classification: Uncertain significance. Last evaluated: 2025-04-24. Review status: criteria provided, single submitter. Criteria: Ambry Variant Classification Scheme 2023. Collection method: clinical testing. Allele origin: germline.